The following is an entry in ClinVar:

ClinVar aggregate classification (germline): Likely benign (1 of 4 stars; one submission).

Conditions:
NAV2-related disorder. Also called: NAV2-related condition.

gnomAD v4.1: 3 of 1,614,084 alleles (0.00019%); highest among the groups gnomAD compares: Non-Finnish European, 0.00017%; no homozygotes.

Submission:

PreventionGenetics, part of Exact Sciences
Classification: Likely benign for NAV2-related condition. Last evaluated: 2026-01-29. Review status: criteria provided, single submitter. Criteria: ACMG Guidelines, 2015. Collection method: clinical testing. Allele origin: germline.
Comment: This variant is classified as likely benign based on ACMG/AMP sequence variant interpretation guidelines (Richards et al. 2015 PMID: 25741868, with internal and published modifications).

NM_145117.5(NAV2):c.3873C>T (p.Tyr1291=)

Genes: NAV2 (neuron navigator 2; plus strand), NAV2-AS2 (NAV2 antisense RNA 2; minus strand). Cytogenetic location: 11p15.1.
Variant type: single nucleotide variant.
Coding change: c.3873C>T on transcript NM_145117.5 (MANE Select); coding-DNA position 3873, C replaced by T.
Protein change: p.Tyr1291=; no amino-acid change (tyrosine 1291 retained).
Molecular consequence: synonymous variant.
Genome position (GRCh38, 1-based): chr11:20,045,641, C>T. VCF-style: chr11-20045641-C-T. GRCh37 (hg19) VCF-style: chr11-20067187-C-T.
Other names: c.3681C>T, p.Tyr1227= (NM_001111018.2); c.1131C>T, p.Tyr377= (NM_001111019.3); c.3942C>T, p.Tyr1314= (NM_001244963.2); c.3873C>T, p.Tyr1291= (NM_182964.6).
Identifiers: ClinVar variation 4995670 (VCV004995670.1).
Genomic context (GRCh38, chr11:20,045,641, plus strand): 5'-TCCGGCAGCCCAGCCTGTGTCCAGTCCGGCTCAGACCAGTCTCCAGCCTGGAGCCAAGTA[C>T]CCAGATGTGGCCTCTCCCACACTCCGCAGGTAAGTGAGTACATAAATGGTGCAGAGCAGA-3'
Protein context (NP_660093.2, residues 1281-1301): AQTSLQPGAK[Tyr1291=]PDVASPTLRR